The following is an entry in ClinVar:

NM_000458.4(HNF1B):c.*409A>C

Gene: HNF1B (HNF1 homeobox B; minus strand). Cytogenetic location: 17q12.
Variant type: single nucleotide variant.
Coding change: c.*409A>C on transcript NM_000458.4 (MANE Select); 409 bases downstream of the stop codon, A replaced by C.
Molecular consequence: 3 prime UTR variant.
Genome position (GRCh38, 1-based): chr17:37,686,963, T>G on the plus strand (A>C on the coding strand, the complement: HNF1B is on the minus strand). VCF-style: chr17-37686963-T-G. GRCh37 (hg19) VCF-style: chr17-36046966-T-G.
Other names: c.*409A>C (NM_001165923.4); c.*317A>C (NM_001304286.2, NM_001411100.1).
Identifiers: ClinVar variation 1802164 (VCV001802164.1), dbSNP rs2031989734, ClinGen allele CA983449586.

ClinVar aggregate classification (germline): Uncertain significance (1 of 4 stars; one submission).

Conditions:
Maturity-onset diabetes of the young (MODY). Also called: Maturity onset diabetes mellitus in young. Identifiers: Orphanet 552, MedGen C0342276, MONDO:0018911, HP:0004904.

Allele frequency attached by ClinVar (database versions not stated): TOPMed below 0.00001; gnomAD 0.00001.
gnomAD v4.1: 2 of 397,708 alleles (0.0005%); highest among the groups gnomAD compares: Admixed American, 0.0037%; no homozygotes.

Submission:

Clinical Genomics, Uppaluri K&H Personalized Medicine Clinic
Classification: Uncertain significance for Maturity-onset diabetes of the young. Review status: criteria provided, single submitter. Criteria: K & H Uppaluri Personalized Medicine Clinic Variant Classification & Assertion Criteria_Updated V.1. Collection method: research. Allele origin: unknown. Inheritance: Autosomal dominant inheritance.
Comment: HNF1B gene mutations are associated with early onset diabetes and pancreatic atrophy. It is also associated with multiple renal manifestations including renal cysts, Tubulointerstitial disease, glomerulocystic disease, renal hypoplasia, hypomagnesemia. However no sufficient evidence is found to ascertain the role of this particular variant rs2031989734, yet.

Literature cited by the submitters: PubMed 24897035; PubMed 25536396; PubMed 27615128; PubMed 28215227; PubMed 33434175; PubMed 25741167; PubMed 26340261; PubMed 19639018.